The following is an entry in ClinVar:

ClinVar aggregate classification (germline): Uncertain significance (1 of 4 stars; one submission).

Conditions:
Hereditary cancer-predisposing syndrome. Also called: Neoplastic Syndromes, Hereditary; Tumor predisposition; Hereditary Cancer Syndrome; Hereditary neoplastic syndrome. Identifiers: Orphanet 140162, MedGen C0027672, MeSH D009386, MONDO:0015356.

Submission:

Ambry Genetics
Classification: Uncertain significance for Hereditary cancer-predisposing syndrome. Last evaluated: 2024-11-06. Review status: criteria provided, single submitter. Criteria: Ambry Variant Classification Scheme 2023. Collection method: clinical testing. Allele origin: germline.
Comment: The p.G31A variant (also known as c.92G>C), located in coding exon 1 of the NTHL1 gene, results from a G to C substitution at nucleotide position 92. The glycine at codon 31 is replaced by alanine, an amino acid with similar properties. This amino acid position is conserved. In addition, this alteration is predicted to be tolerated by in silico analysis. Based on the available evidence, the clinical significance of this variant remains unclear.

NM_002528.7(NTHL1):c.68G>C (p.Gly23Ala)

Gene: NTHL1 (nth like DNA glycosylase 1; minus strand). Cytogenetic location: 16p13.3.
Variant type: single nucleotide variant.
Coding change: c.68G>C on transcript NM_002528.7 (MANE Select); coding-DNA position 68, G replaced by C.
Protein change: p.Gly23Ala; replaces glycine 23 with alanine.
Molecular consequence: missense variant. On other transcripts: 5 prime UTR variant (1).
Genome position (GRCh38, 1-based): chr16:2,047,756, C>G on the plus strand (G>C on the coding strand, the complement: NTHL1 is on the minus strand). VCF-style: chr16-2047756-C-G. GRCh37 (hg19) VCF-style: chr16-2097757-C-G.
Other names: c.68G>C, p.Gly23Ala (NM_001318193.2); c.-111G>C (NM_001318194.2); short protein forms G23A.
Identifiers: ClinVar variation 3408224 (VCV003408224.1).